The following is an entry in ClinVar:

ClinVar aggregate classification (germline): Benign (1 of 4 stars; one submission).

Conditions:
Hereditary angioedema type 1 (HAE1). Identifiers: Orphanet 100050, Orphanet 100051, Orphanet 91378, MedGen C2717906, MONDO:0015053, OMIM 106100.

Submission:

CeMIA
Classification: Benign for Hereditary angioedema type 1. Review status: criteria provided, single submitter. Criteria: ACMG Guidelines, 2015. Collection method: clinical testing. Allele origin: germline. Affected: yes.
Comment: This variant is considered likely benign or benign based on one or more of the following criteria: allele frequency is >5% in Exome Sequencing Project, 1000 Genomes Project, or Exome Aggregation Consortium (BA1), allele frequency is greater than expected for disorder (BS1), it is observed in a healthy adult individual (BS2), it is predicted to be benign by multiple in silico algorithms (BP4), it is found in a case with an alternate molecular basis for the disease (BP5) and/or reputable source recently reports variant as benign (BP6).

Literature cited by the submitters: PubMed 31959500.

NM_000062.3(SERPING1):c.51+612GT[8]

Gene: SERPING1 (serpin family G member 1; plus strand). Cytogenetic location: 11q12.1.
Variant type: Microsatellite.
Coding change: c.51+612GT[8] on transcript NM_000062.3 (MANE Select); eight copies in a row of the 2-base unit GT starting at c.51+612.
Molecular consequence: intron variant.
Genome position: GRCh38 VCF-style: chr11-57598932-C-CGT. GRCh37 (hg19) VCF-style: chr11-57366405-C-CGT.
Other names: c.51+612GT[8] (NM_001032295.2).
Identifiers: ClinVar variation 983237 (VCV000983237.2), dbSNP rs3054018, ClinGen allele CA223053702.